The following is an entry in ClinVar:

ClinVar aggregate classification (germline): Benign. Review status: criteria provided, multiple submitters, no conflicts (2 of 4 stars). 3 submissions from 3 submitters: Benign (2). 1 of the submissions does not count toward it. Last evaluated 2025-12-21.

Conditions:
LAMA5-related disorder. Also called: LAMA5-related condition; LAMA5-Related Disorders.

Allele frequency attached by ClinVar (database versions not stated): gnomAD 0.00005 and 0.00062; TOPMed 0.00019; 1000 Genomes Project 30x 0.00328; 1000 Genomes Project 0.00359.
gnomAD v4.1: 1,858 of 1,570,526 alleles (0.12%); highest among the groups gnomAD compares: South Asian, 2%; 42 homozygotes.

Submissions (3):

Labcorp Genetics (formerly Invitae), Labcorp
Classification: Benign. Last evaluated: 2025-12-21. Review status: criteria provided, single submitter. Criteria: Invitae Variant Classification Sherloc (09022015). Collection method: clinical testing. Allele origin: germline.

Breakthrough Genomics
Classification: Benign. Review status: criteria provided, single submitter. Criteria: ACMG Guidelines, 2015. Collection method: not provided. Allele origin: germline. Inheritance: Autosomal recessive inheritance. Affected: yes.

PreventionGenetics, part of Exact Sciences
Classification: Benign for LAMA5-related condition. Last evaluated: 2022-04-19. Review status: no assertion criteria provided. Collection method: clinical testing. Allele origin: germline. Not counted in ClinVar's aggregate classification.
Comment: This variant is classified as benign based on ACMG/AMP sequence variant interpretation guidelines (Richards et al. 2015 PMID: 25741868, with internal and published modifications).

NM_005560.6(LAMA5):c.8853C>T (p.Phe2951=)

Gene: LAMA5 (laminin subunit alpha 5; minus strand). Cytogenetic location: 20q13.33.
Variant type: single nucleotide variant.
Coding change: c.8853C>T on transcript NM_005560.6 (MANE Select); coding-DNA position 8853, C replaced by T.
Protein change: p.Phe2951=; no amino-acid change (phenylalanine 2951 retained).
Molecular consequence: synonymous variant.
Genome position (GRCh38, 1-based): chr20:62,313,190, G>A on the plus strand (C>T on the coding strand, the complement: LAMA5 is on the minus strand). VCF-style: chr20-62313190-G-A. GRCh37 (hg19) VCF-style: chr20-60888246-G-A.
Other names: c.8853C>T (NM_005560.4).
Identifiers: ClinVar variation 1622666 (VCV001622666.11), dbSNP rs564205980, ClinGen allele CA9940531.